The following is an entry in ClinVar:

ClinVar aggregate classification (germline): Uncertain significance (1 of 4 stars; one submission).

Conditions:
Hereditary cancer-predisposing syndrome. Also called: Neoplastic Syndromes, Hereditary; Tumor predisposition; Hereditary neoplastic syndrome; Hereditary Cancer Syndrome. Identifiers: Orphanet 140162, MedGen C0027672, MeSH D009386, MONDO:0015356.

Submission:

Ambry Genetics
Classification: Uncertain significance for Hereditary cancer-predisposing syndrome. Last evaluated: 2023-09-20. Review status: criteria provided, single submitter. Criteria: Ambry Variant Classification Scheme 2023. Collection method: clinical testing. Allele origin: germline.
Comment: The p.A1905T variant (also known as c.5713G>A), located in coding exon 26 of the DICER1 gene, results from a G to A substitution at nucleotide position 5713. The alanine at codon 1905 is replaced by threonine, an amino acid with similar properties. This amino acid position is conserved. In addition, this alteration is predicted to be deleterious by in silico analysis. Since supporting evidence is limited at this time, the clinical significance of this alteration remains unclear.

NM_177438.3(DICER1):c.5713G>A (p.Ala1905Thr)

Gene: DICER1 (dicer 1, ribonuclease III; minus strand). Cytogenetic location: 14q32.13.
Variant type: single nucleotide variant.
Coding change: c.5713G>A on transcript NM_177438.3 (MANE Select); coding-DNA position 5713, G replaced by A.
Protein change: p.Ala1905Thr; replaces alanine 1905 with threonine.
Molecular consequence: missense variant. On other transcripts: 3 prime UTR variant (1), non-coding transcript variant (6).
Genome position (GRCh38, 1-based): chr14:95,090,554, C>T on the plus strand (G>A on the coding strand, the complement: DICER1 is on the minus strand). VCF-style: chr14-95090554-C-T. GRCh37 (hg19) VCF-style: chr14-95556891-C-T.
Other names: c.*60G>A (NM_001195573.1); c.5713G>A, p.Ala1905Thr (NM_001271282.3, NM_001291628.2, NM_001395677.1 and 8 more transcripts); c.5431G>A, p.Ala1811Thr (NM_001395686.1); c.5308G>A, p.Ala1770Thr (NM_001395687.1, NM_001395688.1, NM_001395689.1 and 1 more transcripts); c.5146G>A, p.Ala1716Thr (NM_001395691.1); c.4030G>A, p.Ala1344Thr (NM_001395697.1); short protein forms A1344T, A1716T, A1770T, A1811T, A1905T.
Identifiers: ClinVar variation 3229440 (VCV003229440.1), dbSNP rs2139765927, ClinGen allele CA390863105.